The following is an entry in ClinVar:

NM_001323289.2(CDKL5):c.91A>G (p.Arg31Gly)

Gene: CDKL5 (cyclin dependent kinase like 5; plus strand). Cytogenetic location: Xp22.13.
Variant type: single nucleotide variant.
Coding change: c.91A>G on transcript NM_001323289.2 (MANE Select); coding-DNA position 91, A replaced by G.
Protein change: p.Arg31Gly; replaces arginine 31 with glycine.
Molecular consequence: missense variant.
Genome position (GRCh38, 1-based): chrX:18,510,846, A>G. VCF-style: chrX-18510846-A-G. GRCh37 (hg19) VCF-style: chrX-18528966-A-G.
Other names: NM_001323289.2(CDKL5):c.91A>G; p.Arg31Gly; c.91A>G, p.Arg31Gly (NM_001037343.2, NM_003159.3); short protein forms R31G.
Identifiers: ClinVar variation 189599 (VCV000189599.3), dbSNP rs786204991, ClinGen allele CA199415.

ClinVar aggregate classification (germline): Uncertain significance. Review status: criteria provided, single submitter (1 of 4 stars). 2 submissions from 2 submitters: Uncertain significance (1). 1 of the submissions does not count toward it. Last evaluated 2024-07-04.

Conditions:
CDKL5 disorder. Identifiers: MedGen CN296942, MONDO:0100039.
Developmental and epileptic encephalopathy, 2 (DEE2). Also called: INFANTILE SPASM SYNDROME, X-LINKED 2; CDKL5 deficiency disorder. Identifiers: Orphanet 1934, Orphanet 3451, Orphanet 505652, MedGen C4750718, MONDO:0010396, OMIM 300672.

Submissions (2):

Centre for Population Genomics, CPG
Classification: Uncertain significance for CDKL5 disorder. Last evaluated: 2024-07-04. Review status: criteria provided, single submitter. Criteria: McKnight et al. (Hum Mutat. 2022). Collection method: curation. Allele origin: germline. Inheritance: X-linked inheritance.
Comment: This variant has been collected from RettBASE and curated to current modified ACMG/AMP criteria. Based on the classification scheme defined by the ClinGen Rett/Angelman-like Expert Panel for Rett/AS-like Disorders Specifications to the ACMG/AMP Variant Interpretation Guidelines VCEP 3.0, this variant is classified as variant of uncertain significance. At least the following criteria are met: Occurs in the well-characterized ATP binding region of CDKL5 (PM1). This variant has been identified as a de novo occurrence in an individual with CDKL5 disorder without confirmation of paternity and maternity (PM6. PMID: 23064044). This variant is absent from gnomAD (PM2_Supporting).

RettBASE
Classification: Pathogenic for Epileptic encephalopathy, early infantile, 2. Last evaluated: 2014-03-13. Review status: no assertion criteria provided. Collection method: curation. Allele origin: de novo. Affected: yes. Observed: 1 variant allele. Not counted in ClinVar's aggregate classification.
Comment: De novo mutation; In silico prediction: SIFT = deleterious, MutationTaster = disease-causing, PolyPhen2 = probably damaging, AlignGVGD = benign (C0)

Literature cited by the submitters: PubMed 23064044 (cited by RettBASE).